The following is an entry in ClinVar:

NM_006531.5(IFT88):c.1076T>A (p.Ile359Lys)

Gene: IFT88 (intraflagellar transport 88; plus strand). Cytogenetic location: 13q12.11.
Variant type: single nucleotide variant.
Coding change: c.1076T>A on transcript NM_006531.5 (MANE Select); coding-DNA position 1076, T replaced by A.
Protein change: p.Ile359Lys; replaces isoleucine 359 with lysine.
Molecular consequence: missense variant. On other transcripts: non-coding transcript variant (5).
Genome position (GRCh38, 1-based): chr13:20,605,069, T>A. VCF-style: chr13-20605069-T-A. GRCh37 (hg19) VCF-style: chr13-21179208-T-A.
Other names: c.1019T>A, p.Ile340Lys (NM_001318491.2, NM_001353573.2, NM_001353575.2); c.1001T>A, p.Ile334Lys (NM_001353570.2, NM_001353576.2, NM_001353577.2 and 1 more transcripts); c.974T>A, p.Ile325Lys (NM_001353571.2, NM_001353578.2); c.1076T>A, p.Ile359Lys (NM_001353572.2, NM_001353568.2); c.917T>A, p.Ile306Lys (NM_001353574.2); c.443T>A, p.Ile148Lys (NM_001353579.2); c.1103T>A, p.Ile368Lys (NM_175605.5, NM_001318493.2, NM_001353565.2 and 2 more transcripts); short protein forms I148K, I306K, I325K, I334K, I340K, I359K, I368K.
Identifiers: ClinVar variation 3603656 (VCV003603656.2).

ClinVar aggregate classification (germline): Uncertain significance (1 of 4 stars; one submission).

gnomAD v4.1: 25 of 1,516,574 alleles (0.0016%); highest among the groups gnomAD compares: Non-Finnish European, 0.0021%; no homozygotes.

Submission:

Labcorp Genetics (formerly Invitae), Labcorp
Classification: Uncertain significance. Last evaluated: 2024-06-11. Review status: criteria provided, single submitter. Criteria: Invitae Variant Classification Sherloc (09022015). Collection method: clinical testing. Allele origin: germline.
Comment: This sequence change replaces isoleucine, which is neutral and non-polar, with lysine, which is basic and polar, at codon 368 of the IFT88 protein (p.Ile368Lys). This variant is present in population databases (rs761837934, gnomAD 0.004%). This variant has not been reported in the literature in individuals affected with IFT88-related conditions. An algorithm developed to predict the effect of missense changes on protein structure and function (PolyPhen-2) suggests that this variant is likely to be disruptive. In summary, the available evidence is currently insufficient to determine the role of this variant in disease. Therefore, it has been classified as a Variant of Uncertain Significance.